The following is an entry in ClinVar:

ClinVar aggregate classification (germline): Benign. Review status: criteria provided, multiple submitters, no conflicts (2 of 4 stars). 9 submissions from 9 submitters: Benign (7). 2 of the submissions do not count toward it. Last evaluated 2026-02-04.

Conditions:
Fanconi-Bickel syndrome (FBS). Also called: Glycogen storage disease due to GLUT2 deficiency; FANCONI SYNDROME WITH INTESTINAL MALABSORPTION AND GALACTOSE INTOLERANCE; HEPATIC GLYCOGENOSIS WITH AMINO ACIDURIA AND GLUCOSURIA; HEPATIC GLYCOGENOSIS WITH FANCONI NEPHROPATHY; HEPATORENAL GLYCOGENOSIS WITH RENAL FANCONI SYNDROME; PSEUDO-PHLORIZIN DIABETES. Identifiers: Orphanet 2088, MedGen C3495427, MONDO:0009216, OMIM 227810.
Type 2 diabetes mellitus. Also called: Type II diabetes mellitus. Identifiers: MedGen C0011860, MeSH D003924, MONDO:0005148, OMIM 125853, HP:0005978.

Allele frequency attached by ClinVar (database versions not stated): gnomAD exomes 0.10754; ExAC 0.11502; 1000 Genomes Project 0.15156; gnomAD 0.15325 and 0.15665; TOPMed 0.15886; 1000 Genomes Project 30x 0.16052; ESP Exome Variant Server 0.16269.
gnomAD v4.1: 173,036 of 1,608,914 alleles (11%); highest among the groups gnomAD compares: African/African-American, 29%; 11,275 homozygotes.

Submissions (9):

Labcorp Genetics (formerly Invitae), Labcorp
Classification: Benign for Fanconi-Bickel syndrome. Last evaluated: 2026-02-04. Review status: criteria provided, single submitter. Criteria: Invitae Variant Classification Sherloc (09022015). Collection method: clinical testing. Allele origin: germline.

Blueprint Genetics
Classification: Benign. Last evaluated: 2024-11-26. Review status: criteria provided, single submitter. Criteria: ACMG Guidelines, 2015. Collection method: clinical testing. Allele origin: germline.

Illumina Laboratory Services, Illumina
Classification: Benign for Fanconi-Bickel syndrome. Last evaluated: 2018-03-06. Review status: criteria provided, single submitter. Criteria: ICSL Variant Classification Criteria 13 December 2019. Collection method: clinical testing. Allele origin: germline.
Comment: This variant was observed in the ICSL laboratory as part of a predisposition screen in an ostensibly healthy population. It had not been previously curated by ICSL or reported in the Human Gene Mutation Database (HGMD: prior to June 1st, 2018), and was therefore a candidate for classification through an automated scoring system. Utilizing variant allele frequency, disease prevalence and penetrance estimates, and inheritance mode, an automated score was calculated to assess if this variant is too frequent to cause the disease. Based on the score and internal cut-off values, a variant classified as benign is not then subjected to further curation. The score for this variant resulted in a classification of benign for this disease.

GeneDx
Classification: Benign. Last evaluated: 2016-01-21. Review status: criteria provided, single submitter. Criteria: GeneDx Variant Classification (06012015). Collection method: clinical testing. Allele origin: germline. Affected: yes.
Comment: This variant is considered likely benign or benign based on one or more of the following criteria: it is a conservative change, it occurs at a poorly conserved position in the protein, it is predicted to be benign by multiple in silico algorithms, and/or has population frequency not consistent with disease.

Breakthrough Genomics
Classification: Benign. Review status: criteria provided, single submitter. Criteria: ACMG Guidelines, 2015. Collection method: not provided. Allele origin: germline. Inheritance: Autosomal recessive inheritance. Affected: yes.

Clinical Genomics, Uppaluri K&H Personalized Medicine Clinic
Classification: Benign for Type 2 diabetes mellitus. Review status: criteria provided, single submitter. Criteria: K&H Uppaluri Personalized Medicine Clinic Variant Classification & Assertion Criteria. Collection method: research. Allele origin: somatic. Affected: yes.
Comment: SLC2A2 associated with neonatal diabetes, glycogen accumulation in liver leading to hepatomegaly. rs5404 variant is associated with risk of developing Type II Diabetes Mellitus. However, more studies are required to ascertain the role of rs5404 in neonatal diabetes.

PreventionGenetics, part of Exact Sciences
Classification: Benign. Review status: criteria provided, single submitter. Criteria: ACMG Guidelines, 2015. Collection method: clinical testing. Allele origin: germline.

Mayo Clinic Laboratories, Mayo Clinic
Classification: Benign. Last evaluated: 2015-10-22. Review status: no assertion criteria provided. Collection method: clinical testing. Allele origin: unknown. Not counted in ClinVar's aggregate classification.

Genetic Services Laboratory, University of Chicago
Classification: Likely benign for AllHighlyPenetrant. Review status: no assertion criteria provided. Collection method: clinical testing. Allele origin: germline. Inheritance: Autosomal recessive inheritance. Not counted in ClinVar's aggregate classification.
Comment: Likely benign based on allele frequency in 1000 Genomes Project or ESP global frequency and its presence in a patient with a rare or unrelated disease phenotype. NOT Sanger confirmed.

Literature cited by the submitters: PubMed 17636114 (cited by Clinical Genomics, Uppaluri K&H Personalized Medicine Clinic); PubMed 34669123 (cited by Clinical Genomics, Uppaluri K&H Personalized Medicine Clinic).

NM_000340.2(SLC2A2):c.594G>A (p.Thr198=)

Gene: SLC2A2 (solute carrier family 2 member 2; minus strand). Cytogenetic location: 3q26.2.
Variant type: single nucleotide variant.
Coding change: c.594G>A on transcript NM_000340.2 (MANE Select); coding-DNA position 594, G replaced by A.
Protein change: p.Thr198=; no amino-acid change (threonine 198 retained).
Molecular consequence: synonymous variant.
Genome position (GRCh38, 1-based): chr3:171,007,166, C>T on the plus strand (G>A on the coding strand, the complement: SLC2A2 is on the minus strand). VCF-style: chr3-171007166-C-T. GRCh37 (hg19) VCF-style: chr3-170724955-C-T.
Other names: c.237G>A, p.Thr79= (NM_001278658.2); c.75G>A, p.Thr25= (NM_001278659.2).
Identifiers: ClinVar variation 130351 (VCV000130351.25), dbSNP rs5404, ClinGen allele CA020026.